The following is an entry in ClinVar:

ClinVar aggregate classification (germline): Uncertain significance (1 of 4 stars; one submission).

Submission:

GeneDx
Classification: Uncertain significance. Last evaluated: 2023-08-18. Review status: criteria provided, single submitter. Criteria: GeneDx Variant Classification Process June 2021. Collection method: clinical testing. Allele origin: germline. Affected: yes.
Comment: Frameshift variant predicted to result in protein truncation or nonsense mediated decay in a gene or region of a gene for which loss of function is not a well-established mechanism of disease; Not observed at significant frequency in large population cohorts (gnomAD); Has not been previously published as pathogenic or benign to our knowledge; Variants in candidate genes are classified as variants of uncertain significance in accordance with ACMG guidelines (Richards et al., 2015)

NM_001003699.4(RREB1):c.3035_3069del (p.Val1012fs)

Gene: RREB1 (ras responsive element binding protein 1; plus strand). Cytogenetic location: 6p24.3.
Variant type: Deletion.
Coding change: c.3035_3069del on transcript NM_001003699.4 (MANE Select); coding-DNA positions 3035 to 3069, 35 bases deleted.
Protein change: p.Val1012fs; shifts the reading frame from valine 1012.
Molecular consequence: frameshift variant.
Genome position (GRCh38, 1-based): chr6:7,231,134-7,231,168, 35 bases deleted; deleting any 35 consecutive bases within chr6:7,231,128-7,231,168 gives the same sequence; the c. name uses the placement nearest the transcript's 3' end. GRCh37 (hg19): chr6:7,231,367-7,231,401.
Other names: c.3035_3069del, p.Val1012fs (NM_001003698.4, NM_001003700.2, NM_001168344.2); short protein forms V1012fs.
Identifiers: ClinVar variation 4055806 (VCV004055806.1).